The following is an entry in ClinVar:

NM_005911.6(MAT2A):c.813T>C (p.Tyr271=)

Genes: GGCX (gamma-glutamyl carboxylase; minus strand), MAT2A (methionine adenosyltransferase 2A; plus strand). Cytogenetic location: 2p11.2.
Variant type: single nucleotide variant.
Coding change: c.813T>C on transcript NM_005911.6 (MANE Select); coding-DNA position 813, T replaced by C.
Protein change: p.Tyr271=; no amino-acid change (tyrosine 271 retained).
Molecular consequence: synonymous variant.
Genome position (GRCh38, 1-based): chr2:85,542,609, T>C. VCF-style: chr2-85542609-T-C. GRCh37 (hg19) VCF-style: chr2-85769732-T-C.
Identifiers: ClinVar variation 477587 (VCV000477587.15), dbSNP rs149459768, ClinGen allele CA1741492.
Genomic context (GRCh38, chr2:85,542,609, plus strand): 5'-AATCCTGTAATTTCAGGGTGATGCTGGTTTGACTGGACGCAAAATCATTGTGGACACTTA[T>C]GGCGGTTGGGGTGCTCATGGAGGAGGTGCCTTTTCAGGAAAGGATTATACCAAGGTCGAC-3'
Protein context (NP_005902.1, residues 261-281): LTGRKIIVDT[Tyr271=]GGWGAHGGGA

ClinVar aggregate classification (germline): Benign/Likely benign. Review status: criteria provided, multiple submitters, no conflicts (2 of 4 stars). 5 submissions from 5 submitters: Benign (4); Likely benign (1). Last evaluated 2026-02-01.

Conditions:
Cardiovascular phenotype. Identifiers: MedGen CN230736.
Familial thoracic aortic aneurysm and aortic dissection (TAAD). Also called: Thoracic aortic aneurysms and dissections. Identifiers: Orphanet 91387, MedGen C4707243, MONDO:0019625.

Allele frequency attached by ClinVar (database versions not stated): ESP Exome Variant Server 0.00015; gnomAD exomes 0.00068 and 0.00232; gnomAD 0.00103 and 0.00127; TOPMed 0.00129; ExAC 0.00231; 1000 Genomes Project 30x 0.00484; 1000 Genomes Project 0.00499.

Submissions (5):

Labcorp Genetics (formerly Invitae), Labcorp
Classification: Benign for Familial thoracic aortic aneurysm and aortic dissection. Last evaluated: 2026-02-01. Review status: criteria provided, single submitter. Criteria: Invitae Variant Classification Sherloc (09022015). Collection method: clinical testing. Allele origin: germline.

Women's Health and Genetics/Laboratory Corporation of America, LabCorp
Classification: Benign. Last evaluated: 2023-07-30. Review status: criteria provided, single submitter. Criteria: LabCorp Variant Classification Summary - May 2015. Collection method: clinical testing. Allele origin: germline.

Ambry Genetics
Classification: Likely benign for Cardiovascular phenotype. Last evaluated: 2019-03-04. Review status: criteria provided, single submitter. Criteria: Ambry Variant Classification Scheme 2023. Collection method: clinical testing. Allele origin: germline.

GeneDx
Classification: Benign. Last evaluated: 2017-05-16. Review status: criteria provided, single submitter. Criteria: GeneDx Variant Classification (06012015). Collection method: clinical testing. Allele origin: germline. Affected: yes.
Comment: This variant is considered likely benign or benign based on one or more of the following criteria: it is a conservative change, it occurs at a poorly conserved position in the protein, it is predicted to be benign by multiple in silico algorithms, and/or has population frequency not consistent with disease.

Breakthrough Genomics
Classification: Benign. Review status: criteria provided, single submitter. Criteria: ACMG Guidelines, 2015. Collection method: not provided. Allele origin: germline. Inheritance: Unknown mechanism. Affected: yes.